The following is an entry in ClinVar:

NM_000493.4(COL10A1):c.1865T>C (p.Met622Thr)

Genes: COL10A1 (collagen type X alpha 1 chain; minus strand), NT5DC1 (5'-nucleotidase domain containing 1; plus strand). Cytogenetic location: 6q22.1.
Variant type: single nucleotide variant.
Coding change: c.1865T>C on transcript NM_000493.4 (MANE Select); coding-DNA position 1865, T replaced by C.
Protein change: p.Met622Thr; replaces methionine 622 with threonine.
Molecular consequence: missense variant. On other transcripts: intron variant (1).
Genome position (GRCh38, 1-based): chr6:116,120,251, A>G on the plus strand (T>C on the coding strand, the complement: COL10A1 is on the minus strand). VCF-style: chr6-116120251-A-G. GRCh37 (hg19) VCF-style: chr6-116441414-A-G.
Other names: c.1865T>C, p.Met622Thr (NM_001424106.1, NM_001424107.1); c.529+2306A>G (NM_152729.3); short protein forms M622T.
Identifiers: ClinVar variation 4766228 (VCV004766228.1).
Genomic context (GRCh38, chr6:116,120,251, plus strand): 5'-ATGATGGCACTCCCTGAAGCCTGATCCAGGTAGCCTTTGGTGTATTCATCATAGGTGTAC[A>G]TTACAGGGGTGCCATTCTTATACAGGCCTACCCAAACATGAGTCCCTTTCACATGCACGT-3'
Protein context (NP_000484.2, residues 612-632): VGLYKNGTPV[Met622Thr]YTYDEYTKGY

ClinVar aggregate classification (germline): Uncertain significance (1 of 4 stars; one submission).

gnomAD v4.1: 3 of 1,614,106 alleles (0.00019%); highest among the groups gnomAD compares: Non-Finnish European, 0.00025%; no homozygotes.

Submission:

Labcorp Genetics (formerly Invitae), Labcorp
Classification: Uncertain significance. Last evaluated: 2026-01-20. Review status: criteria provided, single submitter. Criteria: Invitae Variant Classification Sherloc (09022015). Collection method: clinical testing. Allele origin: germline.
Comment: This sequence change replaces methionine, which is neutral and non-polar, with threonine, which is neutral and polar, at codon 622 of the COL10A1 protein (p.Met622Thr). This variant is not present in population databases (gnomAD no frequency). This variant has not been reported in the literature in individuals affected with COL10A1-related conditions. Invitae Evidence Modeling of protein sequence and biophysical properties (such as structural, functional, and spatial information, amino acid conservation, physicochemical variation, residue mobility, and thermodynamic stability) has been performed for this missense variant. However, the output from this modeling did not meet the statistical confidence thresholds required to predict the impact of this variant on COL10A1 protein function. In summary, the available evidence is currently insufficient to determine the role of this variant in disease. Therefore, it has been classified as a Variant of Uncertain Significance.